The following is an entry in ClinVar:

NM_031935.3(HMCN1):c.3278C>A (p.Ala1093Glu)

Gene: HMCN1 (hemicentin 1; plus strand). Cytogenetic location: 1q31.1.
Variant type: single nucleotide variant.
Coding change: c.3278C>A on transcript NM_031935.3 (MANE Select); coding-DNA position 3278, C replaced by A.
Protein change: p.Ala1093Glu; replaces alanine 1093 with glutamic acid.
Molecular consequence: missense variant.
Genome position (GRCh38, 1-based): chr1:185,990,344, C>A. VCF-style: chr1-185990344-C-A. GRCh37 (hg19) VCF-style: chr1-185959476-C-A.
Other names: short protein forms A1093E.
Identifiers: ClinVar variation 294129 (VCV000294129.10), dbSNP rs373402377, ClinGen allele CA1291669.

ClinVar aggregate classification (germline): Uncertain significance. Review status: criteria provided, multiple submitters, no conflicts (2 of 4 stars). 3 submissions from 3 submitters: Uncertain significance (3). Last evaluated 2024-05-28.

Conditions:
Age related macular degeneration 1 (ARMD1). Also called: MACULOPATHY, AGE-RELATED, 1. Identifiers: MedGen C1864205, MONDO:0011285, OMIM 603075.

Allele frequency attached by ClinVar (database versions not stated): gnomAD exomes 0.00002; TOPMed 0.00002; gnomAD 0.00003; ExAC 0.00004; ESP Exome Variant Server 0.00008.
gnomAD v4.1: 47 of 1,613,430 alleles (0.0029%); highest among the groups gnomAD compares: Non-Finnish European, 0.0037%; no homozygotes.

Submissions (3):

Labcorp Genetics (formerly Invitae), Labcorp
Classification: Uncertain significance. Last evaluated: 2024-05-28. Review status: criteria provided, single submitter. Criteria: Invitae Variant Classification Sherloc (09022015). Collection method: clinical testing. Allele origin: germline.
Comment: This sequence change replaces alanine, which is neutral and non-polar, with glutamic acid, which is acidic and polar, at codon 1093 of the HMCN1 protein (p.Ala1093Glu). This variant is present in population databases (rs373402377, gnomAD 0.005%). This variant has not been reported in the literature in individuals affected with HMCN1-related conditions. ClinVar contains an entry for this variant (Variation ID: 294129). An algorithm developed to predict the effect of missense changes on protein structure and function (PolyPhen-2) suggests that this variant is likely to be disruptive. In summary, the available evidence is currently insufficient to determine the role of this variant in disease. Therefore, it has been classified as a Variant of Uncertain Significance.

Genome-Nilou Lab
Classification: Uncertain significance for Age related macular degeneration 1. Last evaluated: 2023-04-11. Review status: criteria provided, single submitter. Criteria: ACMG Guidelines, 2015. Collection method: clinical testing. Allele origin: germline. Affected: no.

Illumina Laboratory Services, Illumina
Classification: Uncertain significance for Age related macular degeneration 1. Last evaluated: 2018-01-13. Review status: criteria provided, single submitter. Criteria: ICSL Variant Classification Criteria 13 December 2019. Collection method: clinical testing. Allele origin: germline.